The following is an entry in ClinVar:

ClinVar aggregate classification (germline): Uncertain significance (1 of 4 stars; one submission).

Submission:

Labcorp Genetics (formerly Invitae), Labcorp
Classification: Uncertain significance. Last evaluated: 2023-12-11. Review status: criteria provided, single submitter. Criteria: Invitae Variant Classification Sherloc (09022015). Collection method: clinical testing. Allele origin: germline.
Comment: This sequence change replaces valine, which is neutral and non-polar, with glycine, which is neutral and non-polar, at codon 1063 of the ARHGEF10 protein (p.Val1063Gly). This variant is not present in population databases (gnomAD no frequency). This variant has not been reported in the literature in individuals affected with ARHGEF10-related conditions. ClinVar contains an entry for this variant (Variation ID: 1396715). Advanced modeling of protein sequence and biophysical properties (such as structural, functional, and spatial information, amino acid conservation, physicochemical variation, residue mobility, and thermodynamic stability) performed at Invitae indicates that this missense variant is expected to disrupt ARHGEF10 protein function with a positive predictive value of 80%. In summary, the available evidence is currently insufficient to determine the role of this variant in disease. Therefore, it has been classified as a Variant of Uncertain Significance.

NM_014629.4(ARHGEF10):c.3188T>G (p.Val1063Gly)

Gene: ARHGEF10 (Rho guanine nucleotide exchange factor 10; plus strand). Cytogenetic location: 8p23.3.
Variant type: single nucleotide variant.
Coding change: c.3188T>G on transcript NM_014629.4 (MANE Select); coding-DNA position 3188, T replaced by G.
Protein change: p.Val1063Gly; replaces valine 1063 with glycine.
Molecular consequence: missense variant.
Genome position (GRCh38, 1-based): chr8:1,933,908, T>G. VCF-style: chr8-1933908-T-G. GRCh37 (hg19) VCF-style: chr8-1882074-T-G.
Other names: c.3074T>G, p.Val1025Gly (NM_001308152.2); c.3188T>G, p.Val1063Gly (NM_001308153.3); short protein forms V1025G, V1063G, V1087G.
Identifiers: ClinVar variation 1396715 (VCV001396715.6), dbSNP rs1563307528, ClinGen allele CA369970681.
Genomic context (GRCh38, chr8:1,933,908, plus strand): 5'-TACCAGTTAGAAGTCTACTCATGATGGAAGACACGTTGTGGGCGGCTTCCGGAGGTCAAG[T>G]CTTCATCATCAGTGTGGAGACTCATGCTGTAGAGGTAAGTCACTTAGGTGGCTACACGGT-3'
Protein context (NP_055444.2, residues 1053-1073): DTLWAASGGQ[Val1063Gly]FIISVETHAV